The following is an entry in ClinVar:

NC_012920.1(MT-RNR1):m.1193T>C

Gene: MT-RNR1 (mitochondrially encoded 12S RNA; plus strand).
Variant type: single nucleotide variant.
Genome position: chrM-1193-T-C.
Identifiers: ClinVar variation 42206 (VCV000042206.5), dbSNP rs111033321, ClinGen allele CA130993.

ClinVar aggregate classification (germline): Benign/Likely benign. Review status: criteria provided, multiple submitters, no conflicts (2 of 4 stars). 2 submissions from 2 submitters: Benign (1); Likely benign (1). Last evaluated 2018-12-12.

Submissions (2):

Athena Diagnostics
Classification: Benign. Last evaluated: 2018-12-12. Review status: criteria provided, single submitter. Criteria: Athena Diagnostics Criteria. Collection method: clinical testing. Allele origin: germline.

Laboratory for Molecular Medicine, Mass General Brigham Personalized Medicine
Classification: Likely benign. Last evaluated: 2014-02-18. Review status: criteria provided, single submitter. Criteria: LMM Criteria. Collection method: clinical testing. Allele origin: germline. Observed: 5 variant alleles.
Comment: m.1193T>C in MTRNR1: This variant is not expected to have clinical significance because it has been identified at frequencies ranging from 0.2% to 33% across di fferent populations by phylogenetic studies. It has also been reported in 1/169 (0.59%) patients with he aring impairment (Guaran 2013). In summary, in the absence of any statistically significant association to hearing loss, the frequency of this variant suggests that it is likely benign.

Literature cited by the submitters: PubMed 19371214 (cited by Athena Diagnostics); PubMed 23969527 (cited by Athena Diagnostics and Laboratory for Molecular Medicine, Mass General Brigham Personalized Medicine).